The following is an entry in ClinVar:

NM_000327.4(ROM1):c.502T>C (p.Cys168Arg)

Gene: ROM1 (retinal outer segment membrane protein 1; plus strand). Cytogenetic location: 11q12.3.
Variant type: single nucleotide variant.
Coding change: c.502T>C on transcript NM_000327.4 (MANE Select); coding-DNA position 502, T replaced by C.
Protein change: p.Cys168Arg; replaces cysteine 168 with arginine.
Molecular consequence: missense variant.
Genome position (GRCh38, 1-based): chr11:62,613,783, T>C. VCF-style: chr11-62613783-T-C. GRCh37 (hg19) VCF-style: chr11-62381255-T-C.
Other names: short protein forms C168R.
Identifiers: ClinVar variation 305164 (VCV000305164.10), dbSNP rs201202592, ClinGen allele CA6049745.
Genomic context (GRCh38, chr11:62,613,783, plus strand): 5'-GAGGTGCCTGGGCACTGTCAGGCCAAAAGGCTGGTGGATGAGCTGCAACTGAGGTACCAC[T>C]GCTGCGGGCGCCACGGGTACAAGGATTGGTTTGGGGTCCAGTGGGTCAGCAGCCGTTACC-3'
Protein context (NP_000318.2, residues 158-178): LVDELQLRYH[Cys168Arg]CGRHGYKDWF

ClinVar aggregate classification (germline): Uncertain significance. Review status: criteria provided, multiple submitters, no conflicts (2 of 4 stars). 2 submissions from 2 submitters: Uncertain significance (2). Last evaluated 2024-06-18.

Conditions:
Retinitis pigmentosa (RP). Identifiers: Orphanet 791, MedGen C0035334, MeSH D012174, MONDO:0019200, OMIM 268000. Inheritance: Autosomal dominant, autosomal recessive and X linked inheritance.

Allele frequency attached by ClinVar (database versions not stated): ExAC 0.00002; gnomAD 0.00002 and 0.00003; gnomAD exomes 0.00003; TOPMed 0.00003.

Submissions (2):

Labcorp Genetics (formerly Invitae), Labcorp
Classification: Uncertain significance. Last evaluated: 2024-06-18. Review status: criteria provided, single submitter. Criteria: Invitae Variant Classification Sherloc (09022015). Collection method: clinical testing. Allele origin: germline.
Comment: This sequence change replaces cysteine, which is neutral and slightly polar, with arginine, which is basic and polar, at codon 168 of the ROM1 protein (p.Cys168Arg). This variant is present in population databases (rs201202592, gnomAD 0.06%). This variant has not been reported in the literature in individuals affected with ROM1-related conditions. ClinVar contains an entry for this variant (Variation ID: 305164). Advanced modeling of protein sequence and biophysical properties (such as structural, functional, and spatial information, amino acid conservation, physicochemical variation, residue mobility, and thermodynamic stability) has been performed at Invitae for this missense variant, however the output from this modeling did not meet the statistical confidence thresholds required to predict the impact of this variant on ROM1 protein function. In summary, the available evidence is currently insufficient to determine the role of this variant in disease. Therefore, it has been classified as a Variant of Uncertain Significance.

Illumina Laboratory Services, Illumina
Classification: Uncertain significance for Retinitis pigmentosa. Last evaluated: 2018-01-12. Review status: criteria provided, single submitter. Criteria: ICSL Variant Classification Criteria 13 December 2019. Collection method: clinical testing. Allele origin: germline.